The following is an entry in ClinVar:

ClinVar aggregate classification (germline): Uncertain significance (1 of 4 stars; one submission).

Conditions:
Gonadal tissue inappropriate for external genitalia or chromosomal sex. Identifiers: MedGen C1860268, HP:0003248.
Cholestasis. Identifiers: MedGen C0008370, MONDO:0001751, HP:0001396.
Gonadal dysgenesis. Identifiers: MedGen C0018051, MONDO:0001967, HP:0000133.

Submission:

Laboratorio de Genetica e Diagnostico Molecular, Hospital Israelita Albert Einstein
Classification: Uncertain significance for Gonadal dysgenesis; Gonadal tissue inappropriate for external genitalia or chromosomal sex; Cholestasis. Last evaluated: 2021-04-20. Review status: criteria provided, single submitter. Criteria: ACMG Guidelines, 2015. Collection method: clinical testing. Allele origin: germline. Affected: yes.
Comment: ACMG classification criteria: PM1, PM2

NM_024426.6(WT1):c.1321G>C (p.Asp441His)

Gene: WT1 (WT1 transcription factor; minus strand). Cytogenetic location: 11p13.
Variant type: single nucleotide variant.
Coding change: c.1321G>C on transcript NM_024426.6 (MANE Select); coding-DNA position 1321, G replaced by C.
Protein change: p.Asp441His; replaces aspartic acid 441 with histidine.
Molecular consequence: missense variant. On other transcripts: non-coding transcript variant (1).
Genome position (GRCh38, 1-based): chr11:32,392,699, C>G on the plus strand (G>C on the coding strand, the complement: WT1 is on the minus strand). VCF-style: chr11-32392699-C-G. GRCh37 (hg19) VCF-style: chr11-32414245-C-G.
Other names: c.1270G>C, p.Asp424His (NM_000378.6, NM_001407045.1, NM_001407049.1); c.670G>C, p.Asp224His (NM_001198551.2); c.619G>C, p.Asp207His (NM_001198552.2); c.133G>C, p.Asp45His (NM_001367854.1); c.1315G>C, p.Asp439His (NM_001407044.1); c.1321G>C, p.Asp441His (NM_001407046.1, NM_024424.5); c.1198G>C, p.Asp400His (NM_001407047.1); c.1147G>C, p.Asp383His (NM_001407050.1); and 2 more; short protein forms D207H, D224H, D424H, D441H, D45H, D383H, D400H, D439H.
Identifiers: ClinVar variation 1683718 (VCV001683718.2), dbSNP rs2132920232, ClinGen allele CA379959238.
Genomic context (GRCh38, chr11:32,392,699, plus strand): 5'-CCAGCAATGAGAAGTGAACCTACAAACCTGTATGTCTCCTTTGGTGTCTTTTGAGCTGGT[C>G]TGAACGAGAAAACCTTCGTTCACAGTCCTTGAAGTCACACTGGTATGGTTTCTCACCTTG-3'
Protein context (NP_077744.4, residues 431-451): KDCERRFSRS[Asp441His]QLKRHQRRHT